The following is an entry in ClinVar:

ClinVar aggregate classification (germline): Likely pathogenic (1 of 4 stars; one submission).

Conditions:
Autosomal recessive limb-girdle muscular dystrophy type 2J (LGMDR10). Also called: Limb-girdle muscular dystrophy, type 2J; MUSCULAR DYSTROPHY, LIMB-GIRDLE, AUTOSOMAL RECESSIVE 10. Identifiers: Orphanet 140922, MedGen C1837342, MONDO:0012127, OMIM 608807.
Dilated cardiomyopathy 1G (CMD1G). Identifiers: Orphanet 154, MedGen C1858763, MONDO:0011400, OMIM 604145.

Submission:

Labcorp Genetics (formerly Invitae), Labcorp
Classification: Likely pathogenic for Dilated cardiomyopathy 1G; Autosomal recessive limb-girdle muscular dystrophy type 2J. Last evaluated: 2023-11-28. Review status: criteria provided, single submitter. Criteria: Invitae Variant Classification Sherloc (09022015). Collection method: clinical testing. Allele origin: germline.
Comment: This sequence change creates a premature translational stop signal (p.His11708Leufs*15) in the TTN gene. While this is not anticipated to result in nonsense mediated decay, it is expected to create a truncated TTN protein. This variant is not present in population databases (gnomAD no frequency). This variant has not been reported in the literature in individuals affected with TTN-related conditions. This variant is located in the I band of TTN (PMID: 25589632). Truncating variants in this region have been reported in individuals affected with autosomal recessive centronuclear myopathy (PMID: 23975875). Truncating variants in this region have also been identified in individuals affected with autosomal dominant dilated cardiomyopathy and/or cardio-related conditions (PMID: 27869827, 32964742). In summary, the currently available evidence indicates that the variant is pathogenic, but additional data are needed to prove that conclusively. Therefore, this variant has been classified as Likely Pathogenic.

Literature cited by the submitters: PubMed 25589632; PubMed 23975875; PubMed 27869827; PubMed 32964742.

NM_001267550.2(TTN):c.35123del (p.His11708fs)

Gene: TTN (titin; minus strand). Cytogenetic location: 2q31.2.
Variant type: Deletion.
Coding change: c.35123del on transcript NM_001267550.2 (MANE Select); coding-DNA position 35123, one base deleted (A; older notation c.35123delA).
Protein change: p.His11708fs; shifts the reading frame from histidine 11708.
Molecular consequence: frameshift variant. On other transcripts: intron variant (3).
Genome position (GRCh38, 1-based): chr2:178,672,075, T deleted on the plus strand (A on the coding strand, the reverse complement: TTN is on the minus strand). VCF-style (leftmost placement, unchanged base first): chr2-178672074-AT-A. GRCh37 (hg19) VCF-style: chr2-179536801-AT-A.
Other names: c.34001del, p.His11334fs (NM_001256850.1); c.31220del, p.His10407fs (NM_133378.4); c.13283-29758del (NM_003319.4); c.13859-29758del (NM_133437.4); c.13658-29758del (NM_133432.3); short protein forms H11708fs, H10407fs, H11334fs.
Identifiers: ClinVar variation 2954277 (VCV002954277.3), dbSNP rs2473461451, ClinGen allele CA2740096208.